The following is an entry in ClinVar:

ClinVar aggregate classification (germline): Conflicting classifications of pathogenicity. Review status: criteria provided, conflicting classifications (1 of 4 stars). 2 submissions from 2 submitters: Uncertain significance (1); Likely benign (1). Last evaluated 2025-05-06.

Conditions:
Ullrich congenital muscular dystrophy 2 (UCMD2). Identifiers: Orphanet 75840, MedGen C4225314, MONDO:0014654, OMIM 616470.
Bethlem myopathy 2 (BTHLM2). Identifiers: Orphanet 536516, Orphanet 610, MedGen C4225313, MONDO:0034022, OMIM 616471.

Allele frequency attached by ClinVar (database versions not stated): gnomAD 0.00001; ExAC 0.00005; gnomAD exomes 0.00002 and 0.00005.
gnomAD v4.1: 38 of 1,613,970 alleles (0.0024%); highest among the groups gnomAD compares: South Asian, 0.022%; no homozygotes.

Submissions (2):

Labcorp Genetics (formerly Invitae), Labcorp
Classification: Likely benign for Bethlem myopathy 2; Ullrich congenital muscular dystrophy 2. Last evaluated: 2025-05-06. Review status: criteria provided, single submitter. Criteria: Invitae Variant Classification Sherloc (09022015). Collection method: clinical testing. Allele origin: germline.

GeneDx
Classification: Uncertain significance. Last evaluated: 2024-05-22. Review status: criteria provided, single submitter. Criteria: GeneDx Variant Classification Process June 2021. Collection method: clinical testing. Allele origin: germline. Affected: yes.
Comment: In silico analysis supports that this missense variant has a deleterious effect on protein structure/function; Identified in an individual with spontaneous coronary artery dissection; no additional clinical details were provided (PMID: 35234813); This variant is associated with the following publications: (PMID: 35234813)

NM_004370.6(COL12A1):c.5987C>T (p.Pro1996Leu)

Gene: COL12A1 (collagen type XII alpha 1 chain; minus strand). Cytogenetic location: 6q13.
Variant type: single nucleotide variant.
Coding change: c.5987C>T on transcript NM_004370.6 (MANE Select); coding-DNA position 5987, C replaced by T.
Protein change: p.Pro1996Leu; replaces proline 1996 with leucine.
Molecular consequence: missense variant.
Genome position (GRCh38, 1-based): chr6:75,130,932, G>A on the plus strand (C>T on the coding strand, the complement: COL12A1 is on the minus strand). VCF-style: chr6-75130932-G-A. GRCh37 (hg19) VCF-style: chr6-75840648-G-A.
Other names: c.2495C>T, p.Pro832Leu (NM_080645.3); short protein forms P1996L, P832L.
Identifiers: ClinVar variation 566513 (VCV000566513.10), dbSNP rs752189896, ClinGen allele CA3892936.